The following is an entry in ClinVar:

NM_014727.3(KMT2B):c.4557T>A (p.Ser1519Arg)

Gene: KMT2B (lysine methyltransferase 2B; plus strand). Cytogenetic location: 19q13.12.
Variant type: single nucleotide variant.
Coding change: c.4557T>A on transcript NM_014727.3 (MANE Select); coding-DNA position 4557, T replaced by A.
Protein change: p.Ser1519Arg; replaces serine 1519 with arginine.
Molecular consequence: missense variant.
Genome position (GRCh38, 1-based): chr19:35,728,157, T>A. VCF-style: chr19-35728157-T-A. GRCh37 (hg19) VCF-style: chr19-36219058-T-A.
Other names: short protein forms S1519R.
Identifiers: ClinVar variation 4883585 (VCV004883585.2).

ClinVar aggregate classification (germline): Uncertain significance (1 of 4 stars; one submission).

Submission:

Dasa
Classification: Uncertain significance. Last evaluated: 2025-01-22. Review status: criteria provided, single submitter. Criteria: DASA Assertion Criteria. Collection method: clinical testing. Allele origin: germline.
Comment: NM_014727.3(KMT2B):c.4557T>A (p.Ser1519Arg) is a missense variant that results in the substitution of serine with arginine. This variant is absent from population databases. The currently available literature and clinical evidence are not sufficient to establish a definitive association between this variant and the reported condition. Therefore, this variant is classified as a variant of uncertain significance.